The following is an entry in ClinVar:

ClinVar aggregate classification (germline): Uncertain significance. Review status: criteria provided, multiple submitters, no conflicts (2 of 4 stars). 2 submissions from 2 submitters: Uncertain significance (2). Last evaluated 2023-07-18.

Submissions (2):

GeneDx
Classification: Uncertain significance. Last evaluated: 2023-07-18. Review status: criteria provided, single submitter. Criteria: GeneDx Variant Classification Process June 2021. Collection method: clinical testing. Allele origin: germline. Affected: yes.
Comment: Not observed at significant frequency in large population cohorts (gnomAD); In silico analysis supports that this missense variant has a deleterious effect on protein structure/function; Has not been previously published as pathogenic or benign to our knowledge; Variants in candidate genes are classified as variants of uncertain significance in accordance with ACMG guidelines (Richards et al., 2015)

Labcorp Genetics (formerly Invitae), Labcorp
Classification: Uncertain significance. Last evaluated: 2022-06-13. Review status: criteria provided, single submitter. Criteria: Invitae Variant Classification Sherloc (09022015). Collection method: clinical testing. Allele origin: germline.
Comment: This sequence change replaces arginine, which is basic and polar, with leucine, which is neutral and non-polar, at codon 223 of the CLCN6 protein (p.Arg223Leu). This variant is not present in population databases (gnomAD no frequency). This variant has not been reported in the literature in individuals affected with CLCN6-related conditions. Algorithms developed to predict the effect of missense changes on protein structure and function (SIFT, PolyPhen-2, Align-GVGD) all suggest that this variant is likely to be tolerated. In summary, the available evidence is currently insufficient to determine the role of this variant in disease. Therefore, it has been classified as a Variant of Uncertain Significance.

NM_001286.5(CLCN6):c.668G>T (p.Arg223Leu)

Gene: CLCN6 (chloride voltage-gated channel 6; plus strand). Cytogenetic location: 1p36.22.
Variant type: single nucleotide variant.
Coding change: c.668G>T on transcript NM_001286.5 (MANE Select); coding-DNA position 668, G replaced by T.
Protein change: p.Arg223Leu; replaces arginine 223 with leucine.
Molecular consequence: missense variant. On other transcripts: non-coding transcript variant (1).
Genome position (GRCh38, 1-based): chr1:11,826,175, G>T. VCF-style: chr1-11826175-G-T. GRCh37 (hg19) VCF-style: chr1-11886232-G-T.
Other names: c.668G>T (NM_001286.3); c.602G>T, p.Arg201Leu (NM_001256959.2); short protein forms R201L, R223L.
Identifiers: ClinVar variation 1444377 (VCV001444377.9), dbSNP rs770186709, ClinGen allele CA338428547.